The following is an entry in ClinVar:

NM_001034850.3(RETREG1):c.11C>T (p.Pro4Leu)

Genes: RETREG1 (reticulophagy regulator 1; minus strand), RETREG1-AS1 (RETREG1 antisense RNA 1; plus strand), LOC129993734 (ATAC-STARR-seq lymphoblastoid silent region 15947; plus strand). Cytogenetic location: 5p15.1.
Variant type: single nucleotide variant.
Coding change: c.11C>T on transcript NM_001034850.3 (MANE Select); coding-DNA position 11, C replaced by T.
Protein change: p.Pro4Leu; replaces proline 4 with leucine.
Molecular consequence: missense variant.
Genome position (GRCh38, 1-based): chr5:16,616,961, G>A on the plus strand (C>T on the coding strand, the complement: RETREG1 is on the minus strand). VCF-style: chr5-16616961-G-A. GRCh37 (hg19) VCF-style: chr5-16617070-G-A.
Other names: short protein forms P4L.
Identifiers: ClinVar variation 1800453 (VCV001800453.2), dbSNP rs1214765005, ClinGen allele CA359293207.

ClinVar aggregate classification (germline): Uncertain significance (1 of 4 stars; one submission).

Conditions:
Inborn genetic diseases. Identifiers: MedGen C0950123, MeSH D030342.

Allele frequency attached by ClinVar (database versions not stated): gnomAD 0.00001; TOPMed 0.00001; gnomAD exomes 0.00002.
gnomAD v4.1: 21 of 1,432,280 alleles (0.0015%); highest among the groups gnomAD compares: Middle Eastern, 0.024%; no homozygotes.

Submission:

Ambry Genetics
Classification: Uncertain significance for Inborn genetic diseases. Last evaluated: 2019-11-15. Review status: criteria provided, single submitter. Criteria: Ambry Variant Classification Scheme 2023. Collection method: clinical testing. Allele origin: germline.
Comment: The p.P4L variant (also known as c.11C>T), located in coding exon 1 of the FAM134B gene, results from a C to T substitution at nucleotide position 11. The proline at codon 4 is replaced by leucine, an amino acid with similar properties. This amino acid position is not well conserved in available vertebrate species. In addition, this alteration is predicted to be tolerated by in silico analysis. Since supporting evidence is limited at this time, the clinical significance of this alteration remains unclear.